The following is an entry in ClinVar:

NM_000540.3(RYR1):c.8971C>T (p.His2991Tyr)

Gene: RYR1 (ryanodine receptor 1; plus strand). Cytogenetic location: 19q13.2.
Variant type: single nucleotide variant.
Coding change: c.8971C>T on transcript NM_000540.3 (MANE Select); coding-DNA position 8971, C replaced by T.
Protein change: p.His2991Tyr; replaces histidine 2991 with tyrosine.
Molecular consequence: missense variant.
Genome position (GRCh38, 1-based): chr19:38,510,536, C>T. VCF-style: chr19-38510536-C-T. GRCh37 (hg19) VCF-style: chr19-39001176-C-T.
Other names: c.8971C>T, p.His2991Tyr (NM_001042723.2); short protein forms H2991Y.
Identifiers: ClinVar variation 4739530 (VCV004739530.1).

ClinVar aggregate classification (germline): Uncertain significance (1 of 4 stars; one submission).

Conditions:
RYR1-related disorder. Also called: RYR1-related condition; RYR1-related disorders. Identifiers: MedGen CN239331.

gnomAD v4.1: 2 of 1,614,176 alleles (0.00012%); highest among the groups gnomAD compares: South Asian, 0.0011%; no homozygotes.

Submission:

Labcorp Genetics (formerly Invitae), Labcorp
Classification: Uncertain significance for RYR1-related disorder. Last evaluated: 2026-01-01. Review status: criteria provided, single submitter. Criteria: Invitae Variant Classification Sherloc (09022015). Collection method: clinical testing. Allele origin: germline.
Comment: This sequence change replaces histidine, which is basic and polar, with tyrosine, which is neutral and polar, at codon 2991 of the RYR1 protein (p.His2991Tyr). This variant is present in population databases (no rsID available, gnomAD 0.0009%). This variant has not been reported in the literature in individuals affected with RYR1-related conditions. Invitae Evidence Modeling of protein sequence and biophysical properties (such as structural, functional, and spatial information, amino acid conservation, physicochemical variation, residue mobility, and thermodynamic stability) indicates that this missense variant is not expected to disrupt RYR1 protein function with a negative predictive value of 80%. In summary, the available evidence is currently insufficient to determine the role of this variant in disease. Therefore, it has been classified as a Variant of Uncertain Significance.